The following is an entry in ClinVar:

ClinVar aggregate classification (germline): Uncertain significance. Review status: criteria provided, single submitter (1 of 4 stars). 2 submissions from 2 submitters: Uncertain significance (1). 1 of the submissions does not count toward it. Last evaluated 2023-09-25.

Conditions:
KMT2D-related disorder. Also called: KMT2D-Related Disorders.

Submissions (2):

GeneDx
Classification: Uncertain significance. Last evaluated: 2023-09-25. Review status: criteria provided, single submitter. Criteria: GeneDx Variant Classification Process June 2021. Collection method: clinical testing. Allele origin: germline. Affected: yes.
Comment: In silico analysis supports a deleterious effect on protein structure/function; In-frame deletion of 1 amino acid in a repetitive region with no known function; Has not been previously published as pathogenic or benign to our knowledge

PreventionGenetics, part of Exact Sciences
Classification: Likely benign for KMT2D-related condition. Last evaluated: 2020-10-08. Review status: no assertion criteria provided. Collection method: clinical testing. Allele origin: germline. Not counted in ClinVar's aggregate classification.
Comment: This variant is classified as likely benign based on ACMG/AMP sequence variant interpretation guidelines (Richards et al. 2015 PMID: 25741868, with internal and published modifications).

NM_003482.4(KMT2D):c.11202GCA[6] (p.Gln3745del)

Gene: KMT2D (lysine methyltransferase 2D; minus strand). Cytogenetic location: 12q13.12.
Variant type: Microsatellite.
Coding change: c.11202GCA[6] on transcript NM_003482.4 (MANE Select); six copies in a row of the 3-base unit GCA starting at c.11202; the reference has seven copies in a row; one copy, 3 bases deleted; also written c.11220_11222del.
Protein change: p.Gln3745del; deletes glutamine 3745.
Molecular consequence: inframe indel (on NM_003482.3).
Genome position (GRCh38, 1-based): chr12:49,033,483-49,033,485, TGC deleted on the plus strand (GCA on the coding strand, the reverse complement: KMT2D is on the minus strand); deleting any 3 consecutive bases within chr12:49,033,483-49,033,503 gives the same sequence; the position shown is the placement nearest the transcript's 3' end. VCF-style (leftmost placement, unchanged base first): chr12-49033482-TTGC-T. GRCh37 (hg19) VCF-style: chr12-49427265-TTGC-T.
Other names: c.11202_11204GCA[6], p.Gln3745del (NM_003482.3); c.11220_11222delGCA (NM_003482.3); c.11220_11222del (NM_003482.3); short protein forms Q3745del.
Identifiers: ClinVar variation 3038831 (VCV003038831.2), dbSNP rs398123707, ClinGen allele CA6546341.